The following is an entry in ClinVar:

NM_000138.5(FBN1):c.3848A>C (p.Glu1283Ala)

Gene: FBN1 (fibrillin 1; minus strand). Cytogenetic location: 15q21.1.
Variant type: single nucleotide variant.
Coding change: c.3848A>C on transcript NM_000138.5 (MANE Select); coding-DNA position 3848, A replaced by C.
Protein change: p.Glu1283Ala; replaces glutamic acid 1283 with alanine.
Molecular consequence: missense variant.
Genome position (GRCh38, 1-based): chr15:48,481,771, T>G on the plus strand (A>C on the coding strand, the complement: FBN1 is on the minus strand). VCF-style: chr15-48481771-T-G. GRCh37 (hg19) VCF-style: chr15-48773968-T-G.
Other names: short protein forms E1283A.
Identifiers: ClinVar variation 42343 (VCV000042343.13), dbSNP rs397515796, ClinGen allele CA014592.

ClinVar aggregate classification (germline): Conflicting classifications of pathogenicity. Review status: criteria provided, conflicting classifications (1 of 4 stars). 2 submissions from 2 submitters: Likely pathogenic (1); Uncertain significance (1). Last evaluated 2019-03-22.

Conditions:
Marfan syndrome (MFS). Also called: FBN1-Related Marfan Syndrome; Marfan syndrome, classic; MARFAN SYNDROME, TYPE I; Marfan syndrome type 1; Marfan's syndrome. Identifiers: Orphanet 284963, Orphanet 558, MedGen C0024796, MONDO:0007947, OMIM 154700.
Familial thoracic aortic aneurysm and aortic dissection (TAAD). Also called: Thoracic aortic aneurysms and dissections. Identifiers: Orphanet 91387, MedGen C4707243, MONDO:0019625.

Submissions (2):

Labcorp Genetics (formerly Invitae), Labcorp
Classification: Uncertain significance for Marfan syndrome; Familial thoracic aortic aneurysm and aortic dissection. Last evaluated: 2019-03-22. Review status: criteria provided, single submitter. Criteria: Invitae Variant Classification Sherloc (09022015). Collection method: clinical testing. Allele origin: germline.
Comment: This variant disrupts the p.Glu1283 amino acid residue in FBN1. Other variant(s) that disrupt this residue have been observed in individuals with FBN1-related conditions (PMID: 26747767, Invitae), which suggests that this may be a clinically significant amino acid residue. Algorithms developed to predict the effect of missense changes on protein structure and function are either unavailable or do not agree on the potential impact of this missense change (SIFT: "Deleterious"; PolyPhen-2: "Probably Damaging"; Align-GVGD: "Class C0"). This variant has been observed in individuals affected with Marfan syndrome or FBN1-related conditions (PMID: 24793577, Invitae). ClinVar contains an entry for this variant (Variation ID: 42343). This variant is not present in population databases (ExAC no frequency). In summary, the available evidence is currently insufficient to determine the role of this variant in disease. Therefore, it has been classified as a Variant of Uncertain Significance. This sequence change replaces glutamic acid with alanine at codon 1283 of the FBN1 protein (p.Glu1283Ala). The glutamic acid residue is highly conserved and there is a moderate physicochemical difference between glutamic acid and alanine.

Laboratory for Molecular Medicine, Mass General Brigham Personalized Medicine
Classification: Likely pathogenic for Marfan syndrome. Last evaluated: 2008-03-01. Review status: criteria provided, single submitter. Criteria: LMM Criteria. Collection method: clinical testing. Allele origin: germline. Observed: 1 variant allele.

Literature cited by the submitters: PubMed 26747767 (cited by Labcorp Genetics (formerly Invitae), Labcorp); PubMed 24793577 (cited by Labcorp Genetics (formerly Invitae), Labcorp).